The following is an entry in ClinVar:

NM_032043.3(BRIP1):c.208A>C (p.Lys70Gln)

Gene: BRIP1 (BRCA1 interacting DNA helicase 1; minus strand). Cytogenetic location: 17q23.2.
Variant type: single nucleotide variant.
Coding change: c.208A>C on transcript NM_032043.3 (MANE Select); coding-DNA position 208, A replaced by C.
Protein change: p.Lys70Gln; replaces lysine 70 with glutamine.
Molecular consequence: missense variant.
Genome position (GRCh38, 1-based): chr17:61,857,229, T>G on the plus strand (A>C on the coding strand, the complement: BRIP1 is on the minus strand). VCF-style: chr17-61857229-T-G. GRCh37 (hg19) VCF-style: chr17-59934590-T-G.
Other names: short protein forms K70Q.
Identifiers: ClinVar variation 2044519 (VCV002044519.4), dbSNP rs2078911238, ClinGen allele CA400485628.

ClinVar aggregate classification (germline): Uncertain significance (1 of 4 stars; one submission).

Conditions:
Fanconi anemia complementation group J. Also called: BRIP1-Related Fanconi Anemia. Identifiers: Orphanet 84, MedGen C1836860, MONDO:0012187, OMIM 609054.
Familial cancer of breast. Also called: Hereditary breast cancer; hereditary breast carcinoma; BREAST CANCER, FAMILIAL. Identifiers: Orphanet 227535, MedGen C0346153, MONDO:0016419, OMIM 114480. Disease mechanism: loss of function.

Submission:

Labcorp Genetics (formerly Invitae), Labcorp
Classification: Uncertain significance for Familial cancer of breast; Fanconi anemia complementation group J. Last evaluated: 2024-11-19. Review status: criteria provided, single submitter. Criteria: Invitae Variant Classification Sherloc (09022015). Collection method: clinical testing. Allele origin: germline.
Comment: This sequence change replaces lysine, which is basic and polar, with glutamine, which is neutral and polar, at codon 70 of the BRIP1 protein (p.Lys70Gln). This variant is not present in population databases (gnomAD no frequency). This variant has not been reported in the literature in individuals affected with BRIP1-related conditions. ClinVar contains an entry for this variant (Variation ID: 2044519). Invitae Evidence Modeling of protein sequence and biophysical properties (such as structural, functional, and spatial information, amino acid conservation, physicochemical variation, residue mobility, and thermodynamic stability) has been performed for this missense variant. However, the output from this modeling did not meet the statistical confidence thresholds required to predict the impact of this variant on BRIP1 protein function. In summary, the available evidence is currently insufficient to determine the role of this variant in disease. Therefore, it has been classified as a Variant of Uncertain Significance.